The following is an entry in ClinVar:

ClinVar aggregate classification (germline): Uncertain significance (1 of 4 stars; one submission).

Submission:

Labcorp Genetics (formerly Invitae), Labcorp
Classification: Uncertain significance. Last evaluated: 2023-08-11. Review status: criteria provided, single submitter. Criteria: Invitae Variant Classification Sherloc (09022015). Collection method: clinical testing. Allele origin: germline.
Comment: In summary, the available evidence is currently insufficient to determine the role of this variant in disease. Therefore, it has been classified as a Variant of Uncertain Significance. Advanced modeling of protein sequence and biophysical properties (such as structural, functional, and spatial information, amino acid conservation, physicochemical variation, residue mobility, and thermodynamic stability) performed at Invitae indicates that this missense variant is expected to disrupt PDE6C protein function. This variant has not been reported in the literature in individuals affected with PDE6C-related conditions. This variant is not present in population databases (gnomAD no frequency). This sequence change replaces glycine, which is neutral and non-polar, with valine, which is neutral and non-polar, at codon 411 of the PDE6C protein (p.Gly411Val).

NM_006204.4(PDE6C):c.1232G>T (p.Gly411Val)

Gene: PDE6C (phosphodiesterase 6C; plus strand). Cytogenetic location: 10q23.33.
Variant type: single nucleotide variant.
Coding change: c.1232G>T on transcript NM_006204.4 (MANE Select); coding-DNA position 1232, G replaced by T.
Protein change: p.Gly411Val; replaces glycine 411 with valine.
Molecular consequence: missense variant.
Genome position (GRCh38, 1-based): chr10:93,634,870, G>T. VCF-style: chr10-93634870-G-T. GRCh37 (hg19) VCF-style: chr10-95394627-G-T.
Other names: short protein forms G411V.
Identifiers: ClinVar variation 2752083 (VCV002752083.3), dbSNP rs2492525069, ClinGen allele CA377614449.